The following is an entry in ClinVar:

NM_001082971.2(DDC):c.1037A>G (p.Tyr346Cys)

Gene: DDC (dopa decarboxylase; minus strand). Cytogenetic location: 7p12.2.
Variant type: single nucleotide variant.
Coding change: c.1037A>G on transcript NM_001082971.2 (MANE Select); coding-DNA position 1037, A replaced by G.
Protein change: p.Tyr346Cys; replaces tyrosine 346 with cysteine.
Molecular consequence: missense variant.
Genome position (GRCh38, 1-based): chr7:50,476,628, T>C on the plus strand (A>G on the coding strand, the complement: DDC is on the minus strand). VCF-style: chr7-50476628-T-C. GRCh37 (hg19) VCF-style: chr7-50544326-T-C.
Other names: c.1037A>G, p.Tyr346Cys (NM_000790.4); c.923A>G, p.Tyr308Cys (NM_001242886.2); c.893A>G, p.Tyr298Cys (NM_001242887.2); c.803A>G, p.Tyr268Cys (NM_001242888.2); c.758A>G, p.Tyr253Cys (NM_001242889.2); short protein forms Y253C, Y298C, Y268C, Y346C, Y308C.
Identifiers: ClinVar variation 645612 (VCV000645612.9), dbSNP rs1585151568, ClinGen allele CA367534719.
Genomic context (GRCh38, chr7:50,476,628, plus strand): 5'-CGTAGCCCCCCAGCACTCCACTAGCATTTGAGATTACAGTGGAATCTCCCACTTACCCGG[T>C]AGTCAGTGATAAGCCCTGGAGAAAAGAGAAAGAAAAAGAAAAAAGAAATCGTTAGACAGG-3'
Protein context (NP_001076440.2, residues 336-356): SHQDSGLITD[Tyr346Cys]RHWQIPLGRR

ClinVar aggregate classification (germline): Uncertain significance (1 of 4 stars; one submission).

Conditions:
Deficiency of aromatic-L-amino-acid decarboxylase. Also called: AADC DEFICIENCY; DDC DEFICIENCY; DOPA DECARBOXYLASE DEFICIENCY; Aromatic L-Amino Acid Decarboxylase Deficiency; Aromatic amino acid decarboxylase deficiency. Identifiers: Orphanet 35708, MedGen C1291564, MONDO:0012084, OMIM 608643.

Submission:

Labcorp Genetics (formerly Invitae), Labcorp
Classification: Uncertain significance for Deficiency of aromatic-L-amino-acid decarboxylase. Last evaluated: 2018-10-31. Review status: criteria provided, single submitter. Criteria: Invitae Variant Classification Sherloc (09022015). Collection method: clinical testing. Allele origin: germline.
Comment: In summary, the available evidence is currently insufficient to determine the role of this variant in disease. Therefore, it has been classified as a Variant of Uncertain Significance. Algorithms developed to predict the effect of missense changes on protein structure and function (SIFT, PolyPhen-2, Align-GVGD) all suggest that this variant is likely to be disruptive, but these predictions have not been confirmed by published functional studies and their clinical significance is uncertain. This variant has not been reported in the literature in individuals with DDC-related disease. This variant is not present in population databases (ExAC no frequency). This sequence change replaces tyrosine with cysteine at codon 346 of the DDC protein (p.Tyr346Cys). The tyrosine residue is moderately conserved and there is a large physicochemical difference between tyrosine and cysteine.